The following is an entry in ClinVar:

NM_000531.6(OTC):c.137A>G (p.Lys46Arg)

Gene: OTC (ornithine transcarbamylase; plus strand). Cytogenetic location: Xp11.4.
Variant type: single nucleotide variant.
Coding change: c.137A>G on transcript NM_000531.6 (MANE Select); coding-DNA position 137, A replaced by G.
Protein change: p.Lys46Arg; replaces lysine 46 with arginine.
Molecular consequence: missense variant.
Genome position (GRCh38, 1-based): chrX:38,367,350, A>G. VCF-style: chrX-38367350-A-G. GRCh37 (hg19) VCF-style: chrX-38226603-A-G.
Other names: NM_000531.6(OTC):c.137A>G; short protein forms K46R.
Identifiers: ClinVar variation 10994 (VCV000010994.41), dbSNP rs1800321, ClinGen allele CA121291.
Genomic context (GRCh38, chrX:38,367,350, plus strand): 5'-GGTGTGGACAACCACTACAAAATAAAGTGCAGCTGAAGGGCCGTGACCTTCTCACTCTAA[A>G]AAACTTTACCGGAGAAGAAATTAAATATATGCTATGGCTATCAGCAGATCTGAAATTTAG-3'
Protein context (NP_000522.3, residues 36-56): QLKGRDLLTL[Lys46Arg]NFTGEEIKYM

ClinVar aggregate classification (germline): Benign. Review status: reviewed by expert panel (3 of 4 stars). 19 submissions from 19 submitters: Benign (1). 18 of the submissions do not count toward it. Last evaluated 2026-06-11.

Conditions:
Inborn genetic diseases. Identifiers: MedGen C0950123, MeSH D030342.
Ornithine carbamoyltransferase deficiency (OTCD). Also called: Ornithine Carbamoyltransferase Deficiency Disease; OTC DEFICIENCY; ORNITHINE TRANSCARBAMYLASE DEFICIENCY; ORNITHINE TRANSCARBAMYLASE DEFICIENCY, HYPERAMMONEMIA DUE TO. Identifiers: Orphanet 664, MedGen C0268542, MONDO:0010703, OMIM 311250.
ORNITHINE TRANSCARBAMYLASE POLYMORPHISM.

Allele frequency attached by ClinVar (database versions not stated): gnomAD exomes 0.18667 and 0.21694; gnomAD 0.26575 and 0.25553; ExAC 0.19542; 1000 Genomes Project 0.18411; 1000 Genomes Project 30x 0.18855; TOPMed 0.26542.
gnomAD v4.1: 264,991 of 1,200,554 alleles (22%); highest among the groups gnomAD compares: African/African-American, 38%; 22,608 homozygotes.

Submissions (19):

Clingen Urea Cycle Disorders Variant Curation Expert Panel, ClinGen
Classification: Benign for Ornithine carbamoyltransferase deficiency. Last evaluated: 2026-06-11. Review status: reviewed by expert panel. Criteria: ClinGen UreaCycles ACMG Specifications OTC V1.0. Collection method: curation. Allele origin: germline. Inheritance: X-linked inheritance.
Comment: The NM_000531.6:c.137A>G (p.Lys46Arg) is a missense OTC variant in exon 2. The MAF >5% in all populations except in East Asians with more than one hundred thousand combined homo- and hemizygotes (BA1). In summary, this variant meets the criteria to be classified as benign for OTC deficiency based on the ACMG/AMP criteria applied, as specified by the ClinGen Urea Cycle Disorders Variant Curation Expert Panel (OTC specifications version 1.0.0): BA1.

Labcorp Genetics (formerly Invitae), Labcorp
Classification: Benign for Ornithine carbamoyltransferase deficiency. Last evaluated: 2026-02-04. Review status: criteria provided, single submitter. Criteria: Invitae Variant Classification Sherloc (09022015). Collection method: clinical testing. Allele origin: germline. Not counted in ClinVar's aggregate classification.

Blueprint Genetics
Classification: Benign. Last evaluated: 2024-11-28. Review status: criteria provided, single submitter. Criteria: ACMG Guidelines, 2015. Collection method: clinical testing. Allele origin: germline. Not counted in ClinVar's aggregate classification.

Mayo Clinic Laboratories, Mayo Clinic
Classification: Benign. Last evaluated: 2023-02-24. Review status: criteria provided, single submitter. Criteria: ACMG Guidelines, 2015. Collection method: clinical testing. Allele origin: germline. Observed: 177 variant alleles. Not counted in ClinVar's aggregate classification.
Comment: BA1

ARUP Laboratories, Molecular Genetics and Genomics, ARUP Laboratories
Classification: Benign for Ornithine carbamoyltransferase deficiency. Last evaluated: 2021-10-05. Review status: criteria provided, single submitter. Criteria: ARUP Molecular Germline Variant Investigation Process 2021. Collection method: clinical testing. Allele origin: germline. Not counted in ClinVar's aggregate classification.

Women's Health and Genetics/Laboratory Corporation of America, LabCorp
Classification: Benign. Last evaluated: 2019-03-14. Review status: criteria provided, single submitter. Criteria: LabCorp Variant Classification Summary - May 2015. Collection method: clinical testing. Allele origin: germline. Not counted in ClinVar's aggregate classification.
Comment: Variant summary: OTC c.137A>G (p.Lys46Arg) results in a conservative amino acid change located in the Aspartate/ornithine carbamoyltransferase, carbamoyl-P binding domain (IPR006132) of the encoded protein sequence. Five of five in-silico tools predict a benign effect of the variant on protein function. The variant allele was found at a frequency of 0.19 in 199288 control chromosomes, at a frequency of 0.23 within the Non-Finnish European subpopulation (including 1588 homozygotes) and at a frequency of 0.39 within African subpopulation (including 943 homozygotes) in the gnomAD database,. The observed variant frequency within Non-Finnish European/African control individuals in the gnomAD database is approximately 50 and 85 fold respectively of the estimated maximal expected allele frequency for a pathogenic variant in OTC causing Ornithine Transcarbamylase Deficiency phenotype (0.0046), strongly suggesting that the variant is a benign polymorphism found primarily in populations of Non-Finnish European/African origin. The variant, c.137A>G has been reported in the literature in individuals affected with Ornithine Transcarbamylase Deficiency without strong evidence of causality (Engel_2008, Zhong_2013, Dobrowolski_2007). To our knowledge, no experimental evidence demonstrating an impact on protein function has been reported. Four clinical diagnostic laboratories have submitted clinical-significance assessments for this variant to ClinVar after 2014 without evidence for independent evaluation and classified the variant as benign. Based on the evidence outlined above, the variant was classified as benign.

Eurofins Ntd Llc (ga)
Classification: Benign. Last evaluated: 2018-05-30. Review status: criteria provided, single submitter. Criteria: EGL ClinVar v180209 classification definitions. Collection method: clinical testing. Allele origin: germline. Observed: 36 variant alleles, 23 heterozygotes, 4 homozygotes, 9 hemizygotes. Not counted in ClinVar's aggregate classification.

Color Diagnostics, LLC DBA Color Health
Classification: Benign for Ornithine carbamoyltransferase deficiency. Last evaluated: 2018-03-05. Review status: criteria provided, single submitter. Criteria: ACMG Guidelines, 2015. Collection method: clinical testing. Allele origin: germline. Not counted in ClinVar's aggregate classification.

Illumina Laboratory Services, Illumina
Classification: Benign for Ornithine carbamoyltransferase deficiency. Last evaluated: 2018-01-13. Review status: criteria provided, single submitter. Criteria: ICSL Variant Classification Criteria 13 December 2019. Collection method: clinical testing. Allele origin: germline. Not counted in ClinVar's aggregate classification.
Comment: This variant was observed in the ICSL laboratory as part of a predisposition screen in an ostensibly healthy population. It had not been previously curated by ICSL or reported in the Human Gene Mutation Database (HGMD: prior to June 1st, 2018), and was therefore a candidate for classification through an automated scoring system. Utilizing variant allele frequency, disease prevalence and penetrance estimates, and inheritance mode, an automated score was calculated to assess if this variant is too frequent to cause the disease. Based on the score and internal cut-off values, a variant classified as benign is not then subjected to further curation. The score for this variant resulted in a classification of benign for this disease.

PreventionGenetics, part of Exact Sciences
Classification: Benign. Last evaluated: 2016-02-05. Review status: criteria provided, single submitter. Criteria: ACMG Guidelines, 2015. Collection method: clinical testing. Allele origin: germline. Not counted in ClinVar's aggregate classification.

GeneDx
Classification: Benign. Last evaluated: 2015-03-03. Review status: criteria provided, single submitter. Criteria: GeneDx Variant Classification Process June 2021. Collection method: clinical testing. Allele origin: germline. Affected: yes. Not counted in ClinVar's aggregate classification.
Comment: This variant is associated with the following publications: (PMID: 30612563, 28324312)

Ambry Genetics
Classification: Benign for Inborn genetic diseases. Last evaluated: 2014-11-24. Review status: criteria provided, single submitter. Criteria: Ambry Variant Classification Scheme 2023. Collection method: clinical testing. Allele origin: germline. Not counted in ClinVar's aggregate classification.

Breakthrough Genomics
Classification: Benign. Review status: criteria provided, single submitter. Criteria: ACMG Guidelines, 2015. Collection method: not provided. Allele origin: germline. Inheritance: X-linked inheritance. Affected: yes. Not counted in ClinVar's aggregate classification.

Natera, Inc.
Classification: Benign for Ornithine transcarbamylase deficiency. Last evaluated: 2020-09-16. Review status: no assertion criteria provided. Collection method: clinical testing. Allele origin: germline. Not counted in ClinVar's aggregate classification.

OMIM
Classification: Benign for ORNITHINE TRANSCARBAMYLASE POLYMORPHISM. Last evaluated: 1989-08-01. Review status: no assertion criteria provided. Collection method: literature only. Allele origin: germline. Not counted in ClinVar's aggregate classification.

Clinical Genetics DNA and cytogenetics Diagnostics Lab, Erasmus MC, Erasmus Medical Center
Classification: Benign. Review status: no assertion criteria provided. Collection method: clinical testing. Allele origin: germline. Affected: yes. Study: VKGL Data-share Consensus. Not counted in ClinVar's aggregate classification.

Clinical Genetics, Academic Medical Center
Classification: Benign. Review status: no assertion criteria provided. Collection method: clinical testing. Allele origin: germline. Affected: yes. Study: VKGL Data-share Consensus. Not counted in ClinVar's aggregate classification.

Genetic Services Laboratory, University of Chicago
Classification: Likely benign for AllHighlyPenetrant. Review status: no assertion criteria provided. Collection method: clinical testing. Allele origin: germline. Inheritance: X-linked inheritance. Not counted in ClinVar's aggregate classification.
Comment: Likely benign based on allele frequency in 1000 Genomes Project or ESP global frequency and its presence in a patient with a rare or unrelated disease phenotype. NOT Sanger confirmed.

Joint Genome Diagnostic Labs from Nijmegen and Maastricht, Radboudumc and MUMC+
Classification: Benign. Review status: no assertion criteria provided. Collection method: clinical testing. Allele origin: germline. Affected: yes. Study: VKGL Data-share Consensus. Not counted in ClinVar's aggregate classification.

Literature cited by the submitters: PubMed 18440262 (cited by Women's Health and Genetics/Laboratory Corporation of America, LabCorp); PubMed 24010702 (cited by Women's Health and Genetics/Laboratory Corporation of America, LabCorp); PubMed 17565723 (cited by Women's Health and Genetics/Laboratory Corporation of America, LabCorp); PubMed 2474822 (cited by OMIM); PubMed 2836378 (cited by OMIM).